The following is an entry in ClinVar:

ClinVar aggregate classification (germline): Pathogenic/Likely pathogenic. Review status: criteria provided, multiple submitters, no conflicts (2 of 4 stars). 12 submissions from 12 submitters: Pathogenic (9); Likely pathogenic (1). 2 of the submissions do not count toward it. Last evaluated 2024-11-11.

Conditions:
SNAP29-related disorder. Also called: SNAP29-related condition.
Inborn genetic diseases. Identifiers: MedGen C0950123, MeSH D030342.
CEDNIK syndrome. Also called: CEREBRAL DYSGENESIS, NEUROPATHY, ICHTHYOSIS, AND PALMOPLANTAR KERATODERMA SYNDROME; Cerebral dysgenesis, neuropathy, ichthyosis, and palmoplantar keratoderma. Identifiers: Orphanet 66631, MedGen C1836033, MONDO:0012290, OMIM 609528.
Leukodystrophy, hypomyelinating, 2. Also called: PELIZAEUS-MERZBACHER-LIKE DISEASE, 1. Identifiers: Orphanet 280270, Orphanet 280282, MedGen C1837355, MONDO:0012125, OMIM 608804.

Submissions (12):

PreventionGenetics, part of Exact Sciences
Classification: Pathogenic for SNAP29-related condition. Last evaluated: 2024-11-11. Review status: criteria provided, single submitter. Criteria: ACMG Guidelines, 2015. Collection method: clinical testing. Allele origin: germline.
Comment: The SNAP29 c.354dupG variant is predicted to result in a frameshift and premature protein termination (p.Leu119Alafs*15). This variant has been reported in the homozygous and compound heterozygous state in patients with SNAP29-related disease (Supplemental Table 3 in Farwell et al. 2015. PubMed ID: 25356970; Llaci et al. 2019. PubMed ID: 31748968). This variant is reported in 0.014% of alleles in individuals of Latino descent in gnomAD. Frameshift variants in SNAP29 are expected to be pathogenic. In summary, this variant is classified as pathogenic.

Labcorp Genetics (formerly Invitae), Labcorp
Classification: Pathogenic. Last evaluated: 2024-10-14. Review status: criteria provided, single submitter. Criteria: Invitae Variant Classification Sherloc (09022015). Collection method: clinical testing. Allele origin: germline.
Comment: This sequence change creates a premature translational stop signal (p.Leu119Alafs*15) in the SNAP29 gene. It is expected to result in an absent or disrupted protein product. Loss-of-function variants in SNAP29 are known to be pathogenic (PMID: 15968592, 21073448). This variant is present in population databases (rs751575036, gnomAD 0.01%). This premature translational stop signal has been observed in individual(s) with Pelizaeus-Merzbacher-like disease (PMID: 31748968). ClinVar contains an entry for this variant (Variation ID: 279932). For these reasons, this variant has been classified as Pathogenic.

Revvity Omics, Revvity
Classification: Pathogenic for CEDNIK syndrome. Last evaluated: 2024-06-26. Review status: criteria provided, single submitter. Criteria: ACMG Guidelines, 2015. Collection method: clinical testing. Allele origin: germline.

Fulgent Genetics
Classification: Pathogenic for CEDNIK syndrome. Last evaluated: 2024-04-03. Review status: criteria provided, single submitter. Criteria: ACMG Guidelines, 2015. Collection method: clinical testing. Allele origin: germline.

Women's Health and Genetics/Laboratory Corporation of America, LabCorp
Classification: Pathogenic for CEDNIK syndrome. Last evaluated: 2024-04-02. Review status: criteria provided, single submitter. Criteria: LabCorp Variant Classification Summary - May 2015. Collection method: clinical testing. Allele origin: germline.
Comment: Variant summary: SNAP29 c.354dupG (p.Leu119AlafsX15) results in a premature termination codon, predicted to cause a truncation of the encoded protein or absence of the protein due to nonsense mediated decay, which are commonly known mechanisms for disease. The variant allele was found at a frequency of 3.2e-05 in 251460 control chromosomes. c.354dupG has been reported in the literature in individuals affected with CEDNIK syndrome (Farwell_2015). To our knowledge, no experimental evidence demonstrating an impact on protein function has been reported. The following publication have been ascertained in the context of this evaluation (PMID: 25356970). ClinVar contains an entry for this variant (Variation ID: 279932). Based on the evidence outlined above, the variant was classified as pathogenic.

Athena Diagnostics
Classification: Pathogenic. Last evaluated: 2023-12-08. Review status: criteria provided, single submitter. Criteria: Athena Diagnostics Criteria. Collection method: clinical testing. Allele origin: unknown.
Comment: This variant is expected to result in the loss of a functional protein. The frequency of this variant in the general population is consistent with pathogenicity. This variant has been identified in at least one individual with clinical features associated with this gene.

GeneDx
Classification: Pathogenic. Last evaluated: 2022-07-01. Review status: criteria provided, single submitter. Criteria: GeneDx Variant Classification Process June 2021. Collection method: clinical testing. Allele origin: germline. Affected: yes.
Comment: Frameshift variant predicted to result in protein truncation or nonsense mediated decay in a gene for which loss-of-function is a known mechanism of disease; Not observed at a significant frequency in large population cohorts (gnomAD); This variant is associated with the following publications: (PMID: 25356970, 31748968, 31589614, 33977139)

Ambry Genetics
Classification: Pathogenic for Inborn genetic diseases. Last evaluated: 2022-05-25. Review status: criteria provided, single submitter. Criteria: Ambry Variant Classification Scheme 2023. Collection method: clinical testing. Allele origin: germline.
Comment: The c.354dupG (p.L119Afs*15) alteration, located in exon 2 (coding exon 2) of the SNAP29 gene, consists of a duplication of G at position 354, causing a translational frameshift with a predicted alternate stop codon after 15 amino acids. This alteration is expected to result in loss of function by premature protein truncation or nonsense-mediated mRNA decay. This alteration has been detected in the homozygous state, and in conjunction with another SNAP29 alteration, in multiple individuals with clinical features of CEDNIK syndrome (Farwell, 2015; Llaci, 2019; Mah-Som, 2021). Based on the available evidence, this alteration is classified as pathogenic.

New York Genome Center
Classification: Likely pathogenic for CEDNIK syndrome. Last evaluated: 2019-09-13. Review status: criteria provided, single submitter. Criteria: NYGC Assertion Criteria 2020. Collection method: clinical testing. Allele origin: germline. Inheritance: Autosomal recessive inheritance. Observed: 1 heterozygote. Study: CSER-NYCKidSeq.

Genetic Services Laboratory, University of Chicago
Classification: Pathogenic. Last evaluated: 2017-09-01. Review status: criteria provided, single submitter. Criteria: ACMG Guidelines, 2015. Collection method: clinical testing. Allele origin: germline. Affected: yes.

OMIM
Classification: Pathogenic for CEREBRAL DYSGENESIS, NEUROPATHY, ICHTHYOSIS, AND PALMOPLANTAR KERATODERMA SYNDROME. Last evaluated: 2022-05-23. Review status: no assertion criteria provided. Collection method: literature only. Allele origin: germline. Not counted in ClinVar's aggregate classification.

Tgen's Center for Rare Childhood Disorders, Translational Genomics Research Institute (tgen)
Classification: Pathogenic for Pelizaeus-Merzbacher like disease. Last evaluated: 2017-02-06. Review status: no assertion criteria provided. Collection method: clinical testing. Allele origin: maternal. Inheritance: Autosomal recessive inheritance. Affected: yes. Observed: 1 compound heterozygote. Not counted in ClinVar's aggregate classification.

Literature cited by the submitters: PubMed 15968592 (cited by Labcorp Genetics (formerly Invitae), Labcorp); PubMed 21073448 (cited by Labcorp Genetics (formerly Invitae), Labcorp); PubMed 31748968 (cited by 4 submitters); PubMed 25356970 (cited by Women's Health and Genetics/Laboratory Corporation of America, LabCorp and Ambry Genetics); PubMed 33977139 (cited by 3 submitters).

NM_004782.4(SNAP29):c.354dup (p.Leu119fs)

Gene: SNAP29 (synaptosome associated protein 29; plus strand). Cytogenetic location: 22q11.21.
Variant type: Duplication.
Coding change: c.354dup on transcript NM_004782.4 (MANE Select); coding-DNA position 354, one base duplicated (G; older notation c.354dupG).
Protein change: p.Leu119fs; shifts the reading frame from leucine 119.
Molecular consequence: frameshift variant.
Genome position (GRCh38, 1-based): chr22:20,870,453, G duplicated; the last of 6 consecutive G bases (chr22:20,870,448-20,870,453); duplicating any one gives the same sequence. VCF-style (leftmost placement, unchanged base first): chr22-20870447-T-TG. GRCh37 (hg19) VCF-style: chr22-21224735-T-TG.
Other names: c.354dupG (NM_004782.4); c.354dup (NM_004782.3); short protein forms L119fs.
Identifiers: ClinVar variation 279932 (VCV000279932.27), dbSNP rs751575036, ClinGen allele CA10117110.
Genomic context (GRCh38, chr22:20,870,447, plus strand): 5'-CAAGATGGACCAAGATTTGAAGATCAGCCAGAAACACATCAATAGCATTAAGAGCGTGTT[T>TG]GGGGGGCTGGTCAATTACTTCAAATCCAAACCAGTAGAGACCCCACCTGAACAGAATGGC-3'